The following is an entry in ClinVar:

NM_001287.6(CLCN7):c.890T>A (p.Val297Glu)

Gene: CLCN7 (chloride voltage-gated channel 7; minus strand). Cytogenetic location: 16p13.3.
Variant type: single nucleotide variant.
Coding change: c.890T>A on transcript NM_001287.6 (MANE Select); coding-DNA position 890, T replaced by A.
Protein change: p.Val297Glu; replaces valine 297 with glutamic acid.
Molecular consequence: missense variant.
Genome position (GRCh38, 1-based): chr16:1,456,139, A>T on the plus strand (T>A on the coding strand, the complement: CLCN7 is on the minus strand). VCF-style: chr16-1456139-A-T. GRCh37 (hg19) VCF-style: chr16-1506140-A-T.
Other names: c.818T>A, p.Val273Glu (NM_001114331.3); short protein forms V273E, V297E.
Identifiers: ClinVar variation 3637162 (VCV003637162.2).
Genomic context (GRCh38, chr16:1,456,139, plus strand): 5'-GGCAAAGCATTGGACCCGGTGCGGCCCTCCTCACCCACGGGGGCTCCAAACGCCGCTGAC[A>T]CTCCGGCCGCAGCCCCTGCGGAGACGAAGTCCCGCTTCTCTGTGTCTCTGCGGAAGTACT-3'
Protein context (NP_001278.1, residues 287-307): DFVSAGAAAG[Val297Glu]SAAFGAPVGG

ClinVar aggregate classification (germline): Uncertain significance (1 of 4 stars; one submission).

Submission:

Labcorp Genetics (formerly Invitae), Labcorp
Classification: Uncertain significance. Last evaluated: 2024-02-14. Review status: criteria provided, single submitter. Criteria: Invitae Variant Classification Sherloc (09022015). Collection method: clinical testing. Allele origin: germline.
Comment: This sequence change replaces valine, which is neutral and non-polar, with glutamic acid, which is acidic and polar, at codon 297 of the CLCN7 protein (p.Val297Glu). This variant is not present in population databases (gnomAD no frequency). This variant has not been reported in the literature in individuals affected with CLCN7-related conditions. Advanced modeling of protein sequence and biophysical properties (such as structural, functional, and spatial information, amino acid conservation, physicochemical variation, residue mobility, and thermodynamic stability) performed at Invitae indicates that this missense variant is expected to disrupt CLCN7 protein function with a positive predictive value of 95%. In summary, the available evidence is currently insufficient to determine the role of this variant in disease. Therefore, it has been classified as a Variant of Uncertain Significance.